The following is an entry in ClinVar:

NM_024675.4(PALB2):c.3010C>G (p.Gln1004Glu)

Gene: PALB2 (partner and localizer of BRCA2; minus strand). Cytogenetic location: 16p12.2.
Variant type: single nucleotide variant.
Coding change: c.3010C>G on transcript NM_024675.4 (MANE Select); coding-DNA position 3010, C replaced by G.
Protein change: p.Gln1004Glu; replaces glutamine 1004 with glutamic acid.
Molecular consequence: missense variant.
Genome position (GRCh38, 1-based): chr16:23,621,465, G>C on the plus strand (C>G on the coding strand, the complement: PALB2 is on the minus strand). VCF-style: chr16-23621465-G-C. GRCh37 (hg19) VCF-style: chr16-23632786-G-C.
Other names: c.2950C>G, p.Gln984Glu (NM_001407296.1); c.2938C>G, p.Gln980Glu (NM_001407297.1); c.2848C>G, p.Gln950Glu (NM_001407298.1, NM_001407302.1); c.3010C>G, p.Gln1004Glu (NM_001407299.1, NM_001407301.1); c.2125C>G, p.Gln709Glu (NM_001407304.1, NM_001407305.1, NM_001407306.1 and 4 more transcripts); c.1963C>G, p.Gln655Glu (NM_001407307.1); c.1222C>G, p.Gln408Glu (NM_001407312.1, NM_001407313.1); c.544C>G, p.Gln182Glu (NM_001407314.1); short protein forms Q655E, Q408E, Q950E, Q980E, Q709E, Q1004E, Q182E, Q984E.
Identifiers: ClinVar variation 1798809 (VCV001798809.4), dbSNP rs2142328321, ClinGen allele CA395143175.
Genomic context (GRCh38, chr16:23,621,465, plus strand): 5'-CTTGCATCCCTTGGACCTCAGCAAAAGTTAGTATAGTCTCCTCAGGGGGCATCAAAAATT[G>C]GTTTTCTTTGCCTCTGTAATTAAAACAGTATGAAAAGTCAGTACTTTGCACTAAAGCAGT-3'
Protein context (NP_078951.2, residues 994-1014): FAEDGGGKEN[Gln1004Glu]FLMPPEETIL

ClinVar aggregate classification (germline): Uncertain significance. Review status: criteria provided, multiple submitters, no conflicts (2 of 4 stars). 2 submissions from 2 submitters: Uncertain significance (2). Last evaluated 2026-01-31.

Conditions:
Hereditary cancer-predisposing syndrome. Also called: Neoplastic Syndromes, Hereditary; Tumor predisposition; Hereditary Cancer Syndrome; Hereditary neoplastic syndrome. Identifiers: Orphanet 140162, MedGen C0027672, MeSH D009386, MONDO:0015356.
Familial cancer of breast. Also called: BREAST CANCER, FAMILIAL; Hereditary breast cancer; hereditary breast carcinoma. Identifiers: Orphanet 227535, MedGen C0346153, MONDO:0016419, OMIM 114480. Disease mechanism: loss of function.

gnomAD v4.1: 1 of 1,612,764 alleles (0.000062%); highest among the groups gnomAD compares: South Asian, 0.0011%; no homozygotes.

Submissions (2):

Labcorp Genetics (formerly Invitae), Labcorp
Classification: Uncertain significance for Familial cancer of breast. Last evaluated: 2026-01-31. Review status: criteria provided, single submitter. Criteria: Invitae Variant Classification Sherloc (09022015). Collection method: clinical testing. Allele origin: germline.
Comment: This sequence change replaces glutamine, which is neutral and polar, with glutamic acid, which is acidic and polar, at codon 1004 of the PALB2 protein (p.Gln1004Glu). This variant is not present in population databases (gnomAD no frequency). This variant has not been reported in the literature in individuals affected with PALB2-related conditions. ClinVar contains an entry for this variant (Variation ID: 1798809). Invitae Evidence Modeling of protein sequence and biophysical properties (such as structural, functional, and spatial information, amino acid conservation, physicochemical variation, residue mobility, and thermodynamic stability) indicates that this missense variant is expected to disrupt PALB2 protein function with a positive predictive value of 80%. In summary, the available evidence is currently insufficient to determine the role of this variant in disease. Therefore, it has been classified as a Variant of Uncertain Significance.

Ambry Genetics
Classification: Uncertain significance for Hereditary cancer-predisposing syndrome. Last evaluated: 2022-08-22. Review status: criteria provided, single submitter. Criteria: Ambry Variant Classification Scheme 2023. Collection method: clinical testing. Allele origin: germline.
Comment: The p.Q1004E variant (also known as c.3010C>G), located in coding exon 10 of the PALB2 gene, results from a C to G substitution at nucleotide position 3010. The glutamine at codon 1004 is replaced by glutamic acid, an amino acid with highly similar properties. This amino acid position is conserved. In addition, this alteration is predicted to be tolerated by in silico analysis. Since supporting evidence is limited at this time, the clinical significance of this alteration remains unclear.